The following is an entry in ClinVar:

NM_182961.4(SYNE1):c.15763G>A (p.Asp5255Asn)

Gene: SYNE1 (spectrin repeat containing nuclear envelope protein 1; minus strand). Cytogenetic location: 6q25.2.
Variant type: single nucleotide variant.
Coding change: c.15763G>A on transcript NM_182961.4 (MANE Select); coding-DNA position 15763, G replaced by A.
Protein change: p.Asp5255Asn; replaces aspartic acid 5255 with asparagine.
Molecular consequence: missense variant.
Genome position (GRCh38, 1-based): chr6:152,323,632, C>T on the plus strand (G>A on the coding strand, the complement: SYNE1 is on the minus strand). VCF-style: chr6-152323632-C-T. GRCh37 (hg19) VCF-style: chr6-152644767-C-T.
Other names: c.15550G>A, p.Asp5184Asn (NM_033071.5); short protein forms D5255N, D5184N.
Identifiers: ClinVar variation 1913989 (VCV001913989.2), dbSNP rs767661502, ClinGen allele CA366090161.
Genomic context (GRCh38, chr6:152,323,632, plus strand): 5'-TTTGCTGCCGCAGCATGCCCAAGGCCGACTGCTGCTGCTCCAGCTCCAGAACGAACGTGT[C>T]GTGGTATTCAAGAAGAGTTAAGAGCTCTGCTTTCGATGCTTTCTCTGCTGAACTTCCAGG-3'
Protein context (NP_892006.3, residues 5245-5265): AELLTLLEYH[Asp5255Asn]TFVLELEQQQ

ClinVar aggregate classification (germline): Uncertain significance (1 of 4 stars; one submission).

Conditions:
Emery-Dreifuss muscular dystrophy 4, autosomal dominant (EDMD4). Also called: EMERY-DREIFUSS MUSCULAR DYSTROPHY 4 WITH VARIABLE FEATURES. Identifiers: Orphanet 261, MedGen C2751807, MONDO:0013071, OMIM 612998.
Autosomal recessive ataxia, Beauce type. Also called: SYNE1-Related Autosomal Recessive Cerebellar Ataxia; SYNE1 Deficiency; Spinocerebellar ataxia, autosomal recessive 8; ATAXIA, RECESSIVE, OF BEAUCE. Identifiers: Orphanet 88644, MedGen C1853116, MONDO:0012549, OMIM 610743.

gnomAD v4.1: 5 of 1,614,094 alleles (0.00031%); highest among the groups gnomAD compares: Admixed American, 0.0017%; no homozygotes.

Submission:

Labcorp Genetics (formerly Invitae), Labcorp
Classification: Uncertain significance for Emery-Dreifuss muscular dystrophy 4, autosomal dominant; Autosomal recessive ataxia, Beauce type. Last evaluated: 2022-08-21. Review status: criteria provided, single submitter. Criteria: Invitae Variant Classification Sherloc (09022015). Collection method: clinical testing. Allele origin: germline.
Comment: This sequence change replaces aspartic acid, which is acidic and polar, with asparagine, which is neutral and polar, at codon 5184 of the SYNE1 protein (p.Asp5184Asn). This variant is present in population databases (no rsID available, gnomAD 0.003%). This variant has not been reported in the literature in individuals affected with SYNE1-related conditions. Algorithms developed to predict the effect of missense changes on protein structure and function (SIFT, PolyPhen-2, Align-GVGD) all suggest that this variant is likely to be tolerated. In summary, the available evidence is currently insufficient to determine the role of this variant in disease. Therefore, it has been classified as a Variant of Uncertain Significance.